The following is an entry in ClinVar:

ClinVar aggregate classification (germline): Uncertain significance (1 of 4 stars; one submission).

Conditions:
RASopathy. Also called: rasopathies; Noonan spectrum disorder. Identifiers: Orphanet 536391, MedGen C5555857, MONDO:0021060.

Submission:

Labcorp Genetics (formerly Invitae), Labcorp
Classification: Uncertain significance for RASopathy. Last evaluated: 2025-07-15. Review status: criteria provided, single submitter. Criteria: Invitae Variant Classification Sherloc (09022015). Collection method: clinical testing. Allele origin: germline.
Comment: This sequence change creates a premature translational stop signal (p.Gln2*) in the SOS1 gene. It is expected to result in an absent or disrupted protein product. However, the current clinical and genetic evidence is not sufficient to establish whether loss-of-function variants in SOS1 cause disease. This variant is not present in population databases (gnomAD no frequency). This variant has not been reported in the literature in individuals affected with SOS1-related conditions. In summary, the available evidence is currently insufficient to determine the role of this variant in disease. Therefore, it has been classified as a Variant of Uncertain Significance.

NM_005633.4(SOS1):c.4C>T (p.Gln2Ter)

Genes: SOS1 (SOS Ras/Rac guanine nucleotide exchange factor 1; minus strand), LOC129933535 (ATAC-STARR-seq lymphoblastoid silent region 11384; plus strand). Cytogenetic location: 2p22.1.
Variant type: single nucleotide variant.
Coding change: c.4C>T on transcript NM_005633.4 (MANE Select); coding-DNA position 4, C replaced by T.
Protein change: p.Gln2Ter; replaces glutamine 2 with a stop codon.
Molecular consequence: nonsense. On other transcripts: intron variant (1).
Genome position (GRCh38, 1-based): chr2:39,120,419, G>A on the plus strand (C>T on the coding strand, the complement: SOS1 is on the minus strand). VCF-style: chr2-39120419-G-A. GRCh37 (hg19) VCF-style: chr2-39347560-G-A.
Other names: c.4C>T, p.Gln2Ter (NM_001382395.1); c.66+4245C>T (NM_001382394.1); short protein forms Q2*.
Identifiers: ClinVar variation 4723266 (VCV004723266.1).
Genomic context (GRCh38, chr2:39,120,419, plus strand): 5'-GTCCCCGCCACTTGGGCGCGTTCTCTTCGCTGAAAAACTCGTAGGGCAGCTGCTGCGCCT[G>A]CATGGTGCCCCCGGGGCGCCTCTGGGCGGGGAGAGGGGCGGCGGCGGCCGGGCCAGGGAG-3'